The following is an entry in ClinVar:

ClinVar aggregate classification (germline): Uncertain significance. Review status: criteria provided, multiple submitters, no conflicts (2 of 4 stars). 2 submissions from 2 submitters: Uncertain significance (2). Last evaluated 2021-02-26.

Conditions:
DICER1-related tumor predisposition. Also called: DICER1 syndrome; DICER1-related pleuropulmonary blastoma cancer predisposition syndrome. Identifiers: Orphanet 284343, MedGen C3839822, MONDO:0100216.
Hereditary cancer-predisposing syndrome. Also called: Tumor predisposition; Hereditary neoplastic syndrome; Neoplastic Syndromes, Hereditary; Hereditary Cancer Syndrome. Identifiers: Orphanet 140162, MedGen C0027672, MeSH D009386, MONDO:0015356.

Submissions (2):

Ambry Genetics
Classification: Uncertain significance for Hereditary cancer-predisposing syndrome. Last evaluated: 2021-02-26. Review status: criteria provided, single submitter. Criteria: Ambry Variant Classification Scheme 2023. Collection method: clinical testing. Allele origin: germline.
Comment: The p.A234V variant (also known as c.701C>T), located in coding exon 5 of the DICER1 gene, results from a C to T substitution at nucleotide position 701. The alanine at codon 234 is replaced by valine, an amino acid with similar properties. This amino acid position is highly conserved in available vertebrate species. In addition, the in silico prediction for this alteration is inconclusive. Since supporting evidence is limited at this time, the clinical significance of this alteration remains unclear.

Labcorp Genetics (formerly Invitae), Labcorp
Classification: Uncertain significance for DICER1-related tumor predisposition. Last evaluated: 2020-01-09. Review status: criteria provided, single submitter. Criteria: Invitae Variant Classification Sherloc (09022015). Collection method: clinical testing. Allele origin: germline.
Comment: In summary, the available evidence is currently insufficient to determine the role of this variant in disease. Therefore, it has been classified as a Variant of Uncertain Significance. Algorithms developed to predict the effect of missense changes on protein structure and function are either unavailable or do not agree on the potential impact of this missense change (SIFT: "Tolerated"; PolyPhen-2: "Possibly Damaging"; Align-GVGD: "Class C0"). This variant has not been reported in the literature in individuals with DICER1-related conditions. This variant is not present in population databases (ExAC no frequency). This sequence change replaces alanine with valine at codon 234 of the DICER1 protein (p.Ala234Val). The alanine residue is highly conserved and there is a small physicochemical difference between alanine and valine.

NM_177438.3(DICER1):c.701C>T (p.Ala234Val)

Gene: DICER1 (dicer 1, ribonuclease III; minus strand). Cytogenetic location: 14q32.13.
Variant type: single nucleotide variant.
Coding change: c.701C>T on transcript NM_177438.3 (MANE Select); coding-DNA position 701, C replaced by T.
Protein change: p.Ala234Val; replaces alanine 234 with valine.
Molecular consequence: missense variant.
Genome position (GRCh38, 1-based): chr14:95,129,505, G>A on the plus strand (C>T on the coding strand, the complement: DICER1 is on the minus strand). VCF-style: chr14-95129505-G-A. GRCh37 (hg19) VCF-style: chr14-95595842-G-A.
Other names: c.701C>T, p.Ala234Val (NM_001195573.1, NM_001271282.3, NM_001291628.2 and 1 more transcripts); short protein forms A234V.
Identifiers: ClinVar variation 941350 (VCV000941350.13), dbSNP rs1893764557, ClinGen allele CA390888024.